The following is an entry in ClinVar:

ClinVar aggregate classification (germline): Uncertain significance (1 of 4 stars; one submission).

Submission:

Laboratory for Molecular Medicine, Mass General Brigham Personalized Medicine
Classification: Uncertain significance. Last evaluated: 2011-09-17. Review status: criteria provided, single submitter. Criteria: LMM Criteria. Collection method: clinical testing. Allele origin: germline. Observed: 1 variant allele.
Comment: The Ile86Asn variant in TMPRSS3 has not been reported in the literature nor previously identified by our laboratory. This residue is conserved across most species, except in rhesus monkey. Computational analyses (PolyPhen, SIFT, AlignGVGD) suggest that the Ile86Asn variant may impact the protein; however, this information is not predictive enough to assume pathogenicity. It should be noted that this lab has only sequenced and CDH23 and TMPRSS3 in 24 African American or Black probands and no African American or Black healthy controls. Future analysis could reveal that the Ile86Asn variant is common in this population and therefore unlikely to be pathogenic. In summary, the clinical significance of this variant cannot be determined at this time.

NM_001256317.3(TMPRSS3):c.257T>A (p.Ile86Asn)

Gene: TMPRSS3 (transmembrane serine protease 3; minus strand). Cytogenetic location: 21q22.3.
Variant type: single nucleotide variant.
Coding change: c.257T>A on transcript NM_001256317.3 (MANE Select); coding-DNA position 257, T replaced by A.
Protein change: p.Ile86Asn; replaces isoleucine 86 with asparagine.
Molecular consequence: missense variant. On other transcripts: 5 prime UTR variant (1).
Genome position (GRCh38, 1-based): chr21:42,388,994, A>T on the plus strand (T>A on the coding strand, the complement: TMPRSS3 is on the minus strand). VCF-style: chr21-42388994-A-T. GRCh37 (hg19) VCF-style: chr21-43809103-A-T.
Other names: c.257T>A, p.Ile86Asn (NM_024022.4, NM_032405.2); c.-125T>A (NM_032404.3); short protein forms I86N.
Identifiers: ClinVar variation 46106 (VCV000046106.4), dbSNP rs397517372, ClinGen allele CA137694.